The following is an entry in ClinVar:

ClinVar aggregate classification (germline): Conflicting classifications of pathogenicity. Review status: criteria provided, conflicting classifications (1 of 4 stars). 6 submissions from 6 submitters: Likely pathogenic (4); Uncertain significance (1). 1 of the submissions does not count toward it. Last evaluated 2026-03-17.

Conditions:
ORC1-related disorder. Also called: ORC1-related condition.
Meier-Gorlin syndrome 1 (MGORS1). Also called: EAR, PATELLA, SHORT STATURE SYNDROME. Identifiers: Orphanet 2554, MedGen C4552001, MONDO:0009143, OMIM 224690.

Allele frequency attached by ClinVar (database versions not stated): 1000 Genomes Project 0.00020; gnomAD exomes 0.00005 and 0.00007; TOPMed 0.00006; ExAC 0.00007; gnomAD 0.00010; 1000 Genomes Project 30x 0.00016.
gnomAD v4.1: 110 of 1,612,738 alleles (0.0068%); highest among the groups gnomAD compares: Non-Finnish European, 0.009%; no homozygotes.

Submissions (6):

Institute of Medical Genetics and Applied Genomics, University Hospital Tübingen
Classification: Likely pathogenic for Meier-Gorlin syndrome 1. Last evaluated: 2026-03-17. Review status: criteria provided, single submitter. Criteria: ACMG Guidelines, 2015. Collection method: clinical testing. Allele origin: germline. Inheritance: Autosomal recessive inheritance. Affected: yes.

Labcorp Genetics (formerly Invitae), Labcorp
Classification: Uncertain significance. Last evaluated: 2026-01-15. Review status: criteria provided, single submitter. Criteria: Invitae Variant Classification Sherloc (09022015). Collection method: clinical testing. Allele origin: germline.
Comment: This sequence change replaces arginine, which is basic and polar, with tryptophan, which is neutral and slightly polar, at codon 666 of the ORC1 protein (p.Arg666Trp). This variant is present in population databases (rs201253919, gnomAD 0.01%). This missense change has been observed in individual(s) with clinical features of Silver-Russell syndrome and/or Meier-Gorlin syndrome (PMID: 21358631, 33482836). In at least one individual the data is consistent with being in trans (on the opposite chromosome) from a pathogenic variant. ClinVar contains an entry for this variant (Variation ID: 30236). Invitae Evidence Modeling of protein sequence and biophysical properties (such as structural, functional, and spatial information, amino acid conservation, physicochemical variation, residue mobility, and thermodynamic stability) indicates that this missense variant is expected to disrupt ORC1 protein function with a positive predictive value of 80%. In summary, the available evidence is currently insufficient to determine the role of this variant in disease. Therefore, it has been classified as a Variant of Uncertain Significance.

GeneDx
Classification: Likely pathogenic. Last evaluated: 2025-12-15. Review status: criteria provided, single submitter. Criteria: GeneDx Variant Classification Process June 2021. Collection method: clinical testing. Allele origin: germline.
Comment: In silico analysis supports that this missense variant has a deleterious effect on protein structure/function; This variant is associated with the following publications: (PMID: 23023959, 21358631, 31589614, 33482836)

3billion
Classification: Likely pathogenic for Meier-Gorlin syndrome 1. Last evaluated: 2024-11-07. Review status: criteria provided, single submitter. Criteria: ACMG Guidelines, 2015. Collection method: clinical testing. Allele origin: germline. Affected: yes.
Comment: The variant is observed at an extremely low frequency in the gnomAD v4.1.0 dataset (total allele frequency: 0.007%). Predicted Consequence/Location: Missense variant In silico tool predictions suggest damaging effect of the variant on gene or gene product [REVEL: 0.90 (>=0.6, sensitivity 0.68 and specificity 0.92); 3Cnet: 0.92 (>=0.6, sensitivity 0.72 and precision 0.9)]. The same nucleotide change resulting in the same amino acid change has been previously reported to be associated with ORC1 related disorder (ClinVar ID: VCV000030236 /PMID: 21358631). The variant has been reported to be in trans with a pathogenic variant as either compound heterozygous or homozygous in at least one similarly affected unrelated individual (PMID: 33482836, 21358631). Therefore, this variant is classified as Likely pathogenic according to the recommendation of ACMG/AMP guideline.

Blueprint Genetics
Classification: Likely pathogenic for ORC1-related disorders. Last evaluated: 2024-10-21. Review status: criteria provided, single submitter. Criteria: ACMG Guidelines, 2015. Collection method: clinical testing. Allele origin: germline. Affected: yes. Observed: 5 variant alleles.

OMIM
Classification: Pathogenic for MEIER-GORLIN SYNDROME 1. Last evaluated: 2011-02-27. Review status: no assertion criteria provided. Collection method: literature only. Allele origin: germline. Not counted in ClinVar's aggregate classification.

Literature cited by the submitters: PubMed 21358631 (cited by 3 submitters); PubMed 33482836 (cited by Labcorp Genetics (formerly Invitae), Labcorp and 3billion).

NM_004153.4(ORC1):c.1996C>T (p.Arg666Trp)

Gene: ORC1 (origin recognition complex subunit 1; minus strand). Cytogenetic location: 1p32.3.
Variant type: single nucleotide variant.
Coding change: c.1996C>T on transcript NM_004153.4 (MANE Select); coding-DNA position 1996, C replaced by T.
Protein change: p.Arg666Trp; replaces arginine 666 with tryptophan.
Molecular consequence: missense variant.
Genome position (GRCh38, 1-based): chr1:52,383,437, G>A on the plus strand (C>T on the coding strand, the complement: ORC1 is on the minus strand). VCF-style: chr1-52383437-G-A. GRCh37 (hg19) VCF-style: chr1-52849109-G-A.
Other names: c.1996C>T, p.Arg666Trp (NM_001190818.2); c.1981C>T, p.Arg661Trp (NM_001190819.2); c.1996C>T (NM_004153.3); short protein forms R666W, R661W.
Identifiers: ClinVar variation 30236 (VCV000030236.12), dbSNP rs201253919, ClinGen allele CA129049.